The following is an entry in ClinVar:

ClinVar aggregate classification (germline): Benign (1 of 4 stars; one submission).

Conditions:
NPHP3-related disorder. Also called: NPHP3-related condition; NPHP3-related disorders. Identifiers: MedGen CN379163.

gnomAD v4.1: 4,411 of 268,816 alleles (1.6%); highest among the groups gnomAD compares: East Asian, 39%; 556 homozygotes.

Submission:

PreventionGenetics, part of Exact Sciences
Classification: Benign for NPHP3-related condition. Last evaluated: 2026-06-09. Review status: criteria provided, single submitter. Criteria: ACMG Guidelines, 2015. Collection method: clinical testing. Allele origin: germline.
Comment: This variant is classified as benign based on ACMG/AMP sequence variant interpretation guidelines (Richards et al. 2015 PMID: 25741868, with internal and published modifications).

NM_153240.5(NPHP3):c.671-986G>A

Genes: NPHP3 (nephrocystin 3; minus strand), NPHP3-ACAD11 (NPHP3-ACAD11 readthrough (NMD candidate); minus strand). Cytogenetic location: 3q22.1.
Variant type: single nucleotide variant.
Coding change: c.671-986G>A on transcript NM_153240.5 (MANE Select); 986 bases into the intron before coding-DNA position 671, G replaced by A.
Molecular consequence: intron variant.
Genome position (GRCh38, 1-based): chr3:132,717,895, C>T on the plus strand (G>A on the coding strand, the complement: NPHP3 is on the minus strand). VCF-style: chr3-132717895-C-T. GRCh37 (hg19) VCF-style: chr3-132436739-C-T.
Identifiers: ClinVar variation 4986258 (VCV004986258.1).
Genomic context (GRCh38, chr3:132,717,895, plus strand): 5'-GCAACCTCCACCTCCTGGGTTCAAGTGATTTTCCTGCCTCAGCCTCCCGAGTAGCTGGGA[C>T]TACAGGCACGCACCACCATGCCCAGCTAATTTTTGTATTTAGTAGAGACGGGGTTTCACC-3'